The following is an entry in ClinVar:

ClinVar aggregate classification (germline): Uncertain significance (1 of 4 stars; one submission).

Submission:

GeneDx
Classification: Uncertain significance. Last evaluated: 2024-01-31. Review status: criteria provided, single submitter. Criteria: GeneDx Variant Classification Process June 2021. Collection method: clinical testing. Allele origin: germline. Affected: yes.
Comment: Not observed at significant frequency in large population cohorts (gnomAD); In silico analysis supports that this missense variant has a deleterious effect on protein structure/function; Has not been previously published as pathogenic or benign to our knowledge

NM_015015.3(KDM4B):c.740C>T (p.Ser247Leu)

Gene: KDM4B (lysine demethylase 4B; plus strand). Cytogenetic location: 19p13.3.
Variant type: single nucleotide variant.
Coding change: c.740C>T on transcript NM_015015.3 (MANE Select); coding-DNA position 740, C replaced by T.
Protein change: p.Ser247Leu; replaces serine 247 with leucine.
Molecular consequence: missense variant.
Genome position (GRCh38, 1-based): chr19:5,077,430, C>T. VCF-style: chr19-5077430-C-T. GRCh37 (hg19) VCF-style: chr19-5077441-C-T.
Other names: c.740C>T, p.Ser247Leu (NM_001370093.1, NM_001370094.1, NM_001411148.1); short protein forms S247L.
Identifiers: ClinVar variation 3368639 (VCV003368639.1).